The following is an entry in ClinVar:

NM_024334.3(TMEM43):c.442+7G>A

Gene: TMEM43 (transmembrane protein 43; plus strand). Cytogenetic location: 3p25.1.
Variant type: single nucleotide variant.
Coding change: c.442+7G>A on transcript NM_024334.3 (MANE Select); 7 bases into the intron after coding-DNA position 442, G replaced by A.
Molecular consequence: intron variant.
Genome position (GRCh38, 1-based): chr3:14,132,602, G>A. VCF-style: chr3-14132602-G-A. GRCh37 (hg19) VCF-style: chr3-14174102-G-A.
Identifiers: ClinVar variation 178139 (VCV000178139.18), dbSNP rs373590238, ClinGen allele CA024694.
Genomic context (GRCh38, chr3:14,132,602, plus strand): 5'-GCAGGGAGTACACCGAGGATGGGCAGGTGAAGAAGGAGACGAGGTATTCCTACAGTGAGT[G>A]CTGGGCCCCTTACGTGGTCTCTGCCCATGGTGGGGGCCCACAGTGGTGGCTGGACAGCAG-3'

ClinVar aggregate classification (germline): Benign/Likely benign. Review status: criteria provided, multiple submitters, no conflicts (2 of 4 stars). 5 submissions from 5 submitters: Benign (2); Likely benign (2). 1 of the submissions does not count toward it. Last evaluated 2026-01-18.

Conditions:
TMEM43-related disorder. Also called: TMEM43-related condition.
Arrhythmogenic right ventricular dysplasia 5. Also called: ARRHYTHMOGENIC RIGHT VENTRICULAR DYSPLASIA, FAMILIAL, 5; Arrhythmogenic Right Ventricular Dysplasia/Cardiomyopathy 5. Identifiers: MedGen C1858379, MONDO:0011459, OMIM 604400.

Allele frequency attached by ClinVar (database versions not stated): gnomAD exomes 0.00003 and 0.00006; ExAC 0.00006; gnomAD 0.00029 and 0.00031; TOPMed 0.00037; ESP Exome Variant Server 0.00038.
gnomAD v4.1: 94 of 1,614,012 alleles (0.0058%); highest among the groups gnomAD compares: African/African-American, 0.12%; 1 homozygote.

Submissions (5):

Labcorp Genetics (formerly Invitae), Labcorp
Classification: Likely benign for Arrhythmogenic right ventricular dysplasia 5. Last evaluated: 2026-01-18. Review status: criteria provided, single submitter. Criteria: Invitae Variant Classification Sherloc (09022015). Collection method: clinical testing. Allele origin: germline.

Women's Health and Genetics/Laboratory Corporation of America, LabCorp
Classification: Benign. Last evaluated: 2022-03-19. Review status: criteria provided, single submitter. Criteria: LabCorp Variant Classification Summary - May 2015. Collection method: clinical testing. Allele origin: germline.

GeneDx
Classification: Benign. Last evaluated: 2015-03-03. Review status: criteria provided, single submitter. Criteria: GeneDx Variant Classification Process June 2021. Collection method: clinical testing. Allele origin: germline. Affected: yes.

Laboratory for Molecular Medicine, Mass General Brigham Personalized Medicine
Classification: Likely benign. Last evaluated: 2012-03-19. Review status: criteria provided, single submitter. Criteria: LMM Criteria. Collection method: clinical testing. Allele origin: germline. Observed: 2 variant alleles.
Comment: 442+7G>A in intron 5 of TMEM43: This variant is not expected to have clinical si gnificance because it is not located within the splice consensus sequence. It ha s been identified in 0.1% (5/3738) of African American chromosomes from a broad population by the NHLBI Exome Sequencing Project (VS). 442+7G>A in intron 5 of TMEM43 (allele frequency = 0.1%, 5/3738) **

PreventionGenetics, part of Exact Sciences
Classification: Likely benign for TMEM43-related condition. Last evaluated: 2024-06-06. Review status: no assertion criteria provided. Collection method: clinical testing. Allele origin: germline. Not counted in ClinVar's aggregate classification.
Comment: This variant is classified as likely benign based on ACMG/AMP sequence variant interpretation guidelines (Richards et al. 2015 PMID: 25741868, with internal and published modifications).